The following is an entry in ClinVar:

ClinVar aggregate classification (germline): Uncertain significance (1 of 4 stars; one submission).

Conditions:
TJP2-related disorder. Also called: TJP2-related condition.

gnomAD v4.1: 24 of 1,613,292 alleles (0.0015%); highest among the groups gnomAD compares: African/African-American, 0.0053%; no homozygotes.

Submission:

PreventionGenetics, part of Exact Sciences
Classification: Uncertain significance for TJP2-related condition. Last evaluated: 2026-01-21. Review status: criteria provided, single submitter. Criteria: ACMG Guidelines, 2015. Collection method: clinical testing. Allele origin: germline.
Comment: The TJP2 c.1036G>A variant is predicted to result in the amino acid substitution p.Glu346Lys. To our knowledge, this variant has not been reported in the literature. This variant is reported in 0.0050% of alleles in individuals of East Asian descent in gnomAD. At this time, the clinical significance of this variant is uncertain due to the absence of conclusive functional and genetic evidence.

NM_004817.4(TJP2):c.1036G>A (p.Glu346Lys)

Gene: TJP2 (tight junction protein 2; plus strand). Cytogenetic location: 9q21.11.
Variant type: single nucleotide variant.
Coding change: c.1036G>A on transcript NM_004817.4 (MANE Select); coding-DNA position 1036, G replaced by A.
Protein change: p.Glu346Lys; replaces glutamic acid 346 with lysine.
Molecular consequence: missense variant.
Genome position (GRCh38, 1-based): chr9:69,225,387, G>A. VCF-style: chr9-69225387-G-A. GRCh37 (hg19) VCF-style: chr9-71840303-G-A.
Other names: c.967G>A, p.Glu323Lys (NM_001170414.2, NM_001369870.1, NM_001369871.1); c.1048G>A, p.Glu350Lys (NM_001170415.1, NM_001369874.1, NM_001369875.1); c.1129G>A, p.Glu377Lys (NM_001170416.2); c.1036G>A, p.Glu346Lys (NM_001369872.1, NM_001369873.1, NM_201629.3); short protein forms E346K, E350K, E377K, E323K.
Identifiers: ClinVar variation 4988956 (VCV004988956.1).
Genomic context (GRCh38, chr9:69,225,387, plus strand): 5'-CAGATCTTCGTAAAGGAAATGACCCGAACGGGTCTGGCAACTAAAGATGGCAACCTTCAC[G>A]AAGGAGACATAATTCTCAAGGTGGGTAGATGGGGGCAGAGAACGGTAGTGTGCATACTGC-3'
Protein context (NP_004808.2, residues 336-356): GLATKDGNLH[Glu346Lys]GDIILKINGT